The following is an entry in ClinVar:

NM_000492.4(CFTR):c.869+14A>G

Gene: CFTR (CF transmembrane conductance regulator; plus strand). Cytogenetic location: 7q31.2.
Variant type: single nucleotide variant.
Coding change: c.869+14A>G on transcript NM_000492.4 (MANE Select); 14 bases into the intron after coding-DNA position 869, A replaced by G.
Molecular consequence: intron variant.
Genome position (GRCh38, 1-based): chr7:117,536,687, A>G. VCF-style: chr7-117536687-A-G. GRCh37 (hg19) VCF-style: chr7-117176741-A-G.
Identifiers: ClinVar variation 495960 (VCV000495960.5), dbSNP rs1554380834, ClinGen allele CA658683494.

ClinVar aggregate classification (germline): Conflicting classifications of pathogenicity. Review status: criteria provided, conflicting classifications (1 of 4 stars). 2 submissions from 2 submitters: Uncertain significance (1); Likely benign (1). Last evaluated 2026-02-05.

Conditions:
Cystic fibrosis (CF). Also called: MUCOVISCIDOSIS. Identifiers: Orphanet 586, MedGen C0010674, MONDO:0009061, OMIM 219700. Disease mechanism: loss of function.

Allele frequency attached by ClinVar (database versions not stated): TOPMed below 0.00001; gnomAD 0.00001; gnomAD exomes below 0.00001.
gnomAD v4.1: 2 of 1,603,738 alleles (0.00012%); highest among the groups gnomAD compares: African/African-American, 0.0013%; no homozygotes.

Submissions (2):

Ambry Genetics
Classification: Likely benign for Cystic fibrosis. Last evaluated: 2026-02-05. Review status: criteria provided, single submitter. Criteria: Ambry Variant Classification Scheme 2023. Collection method: clinical testing. Allele origin: germline.

Women's Health and Genetics/Laboratory Corporation of America, LabCorp
Classification: Uncertain significance. Last evaluated: 2019-10-07. Review status: criteria provided, single submitter. Criteria: LabCorp Variant Classification Summary - May 2015. Collection method: clinical testing. Allele origin: germline.
Comment: Variant summary: CFTR c.869+14A>G alters a non-conserved nucleotide located close to a canonical splice site and therefore could affect mRNA splicing, leading to a significantly altered protein sequence. 3/5 computational tools predict no significant impact on normal splicing. However, these predictions have yet to be confirmed by functional studies. The variant was absent in 246796 control chromosomes (gnomAD). The available data on variant occurrences in the general population are insufficient to allow any conclusion about variant significance. To our knowledge, no occurrence of c.869+14A>G in individuals affected with Cystic Fibrosis and no experimental evidence demonstrating its impact on protein function have been reported in the literature. No other ClinVar submitters have submitted clinical-significance assessments for this variant to ClinVar after 2014. Therefore, due to the location of this variant and the co-occurrence, the variant of interest has been classified as a "Variant of Uncertain Significance - Possibly Benign."